The following is an entry in ClinVar:

ClinVar aggregate classification (germline): Uncertain significance (1 of 4 stars; one submission).

gnomAD v4.1: 1 of 1,614,230 alleles (0.000062%); highest among the groups gnomAD compares: Non-Finnish European, 0.000085%; no homozygotes.

Submission:

GeneDx
Classification: Uncertain significance. Last evaluated: 2025-04-21. Review status: criteria provided, single submitter. Criteria: GeneDx Variant Classification Process June 2021. Collection method: clinical testing. Allele origin: germline. Affected: yes.
Comment: Not observed at significant frequency in large population cohorts (gnomAD); In silico analysis indicates that this missense variant does not alter protein structure/function; Has not been previously published as pathogenic or benign to our knowledge

NM_138615.3(DHX30):c.1211C>G (p.Pro404Arg)

Gene: DHX30 (DExH-box helicase 30; plus strand). Cytogenetic location: 3p21.31.
Variant type: single nucleotide variant.
Coding change: c.1211C>G on transcript NM_138615.3 (MANE Select); coding-DNA position 1211, C replaced by G.
Protein change: p.Pro404Arg; replaces proline 404 with arginine.
Molecular consequence: missense variant.
Genome position (GRCh38, 1-based): chr3:47,846,283, C>G. VCF-style: chr3-47846283-C-G. GRCh37 (hg19) VCF-style: chr3-47887773-C-G.
Other names: c.1127C>G, p.Pro376Arg (NM_001330990.2); c.1094C>G, p.Pro365Arg (NM_014966.4); short protein forms P365R, P376R, P404R.
Identifiers: ClinVar variation 4527281 (VCV004527281.1).
Genomic context (GRCh38, chr3:47,846,283, plus strand): 5'-TGCCCTTGGGCAAGGACTCAGGGCCTCTGAGTGACCCTATCACAGGCAAGCCCTATGTGC[C>G]CCTGTTGGAAGCAGAGGAGGTACGTCTCAGCCAGAGTCTGCTAGAACTGTGGCGGCGGCG-3'
Protein context (NP_619520.1, residues 394-414): SDPITGKPYV[Pro404Arg]LLEAEEVRLS